The following is an entry in ClinVar:

ClinVar aggregate classification (germline): Uncertain significance (1 of 4 stars; one submission).

Conditions:
Familial cancer of breast. Also called: hereditary breast carcinoma; Hereditary breast cancer; BREAST CANCER, FAMILIAL. Identifiers: Orphanet 227535, MedGen C0346153, MONDO:0016419, OMIM 114480. Disease mechanism: loss of function.

Submission:

Labcorp Genetics (formerly Invitae), Labcorp
Classification: Uncertain significance for Familial cancer of breast. Last evaluated: 2021-05-25. Review status: criteria provided, single submitter. Criteria: Invitae Variant Classification Sherloc (09022015). Collection method: clinical testing. Allele origin: germline.
Comment: In summary, the available evidence is currently insufficient to determine the role of this variant in disease. Therefore, it has been classified as a Variant of Uncertain Significance. Algorithms developed to predict the effect of sequence changes on RNA splicing suggest that this variant may create or strengthen a splice site, but this prediction has not been confirmed by published transcriptional studies. Algorithms developed to predict the effect of missense changes on protein structure and function (SIFT, PolyPhen-2, Align-GVGD) all suggest that this variant is likely to be tolerated, but these predictions have not been confirmed by published functional studies and their clinical significance is uncertain. This variant has not been reported in the literature in individuals with CHEK2-related conditions. This variant is not present in population databases (ExAC no frequency). This sequence change replaces glutamic acid with alanine at codon 450 of the CHEK2 protein (p.Glu450Ala). The glutamic acid residue is moderately conserved and there is a moderate physicochemical difference between glutamic acid and alanine.

NM_007194.4(CHEK2):c.1349A>C (p.Glu450Ala)

Gene: CHEK2 (checkpoint kinase 2; minus strand). Cytogenetic location: 22q12.1.
Variant type: single nucleotide variant.
Coding change: c.1349A>C on transcript NM_007194.4 (MANE Select); coding-DNA position 1349, A replaced by C.
Protein change: p.Glu450Ala; replaces glutamic acid 450 with alanine.
Molecular consequence: missense variant.
Genome position (GRCh38, 1-based): chr22:28,695,153, T>G on the plus strand (A>C on the coding strand, the complement: CHEK2 is on the minus strand). VCF-style: chr22-28695153-T-G. GRCh37 (hg19) VCF-style: chr22-29091141-T-G.
Other names: c.1478A>C, p.Glu493Ala (NM_001005735.3); c.686A>C, p.Glu229Ala (NM_001257387.3); c.1148A>C, p.Glu383Ala (NM_001349956.3); c.1262A>C, p.Glu421Ala (NM_145862.3); short protein forms E421A, E493A, E229A, E383A, E450A.
Identifiers: ClinVar variation 1356097 (VCV001356097.9), dbSNP rs2145793434, ClinGen allele CA411095600.